The following is an entry in ClinVar:

ClinVar aggregate classification (germline): Likely benign. Review status: criteria provided, multiple submitters, no conflicts (2 of 4 stars). 2 submissions from 2 submitters: Likely benign (2). Last evaluated 2024-12-03.

Conditions:
STT3B-congenital disorder of glycosylation. Also called: STT3B-CDG; Congenital disorder of glycosylation type 1x; CDG Ix. Identifiers: Orphanet 370924, MedGen C2931007, MONDO:0014271, OMIM 615597.

Allele frequency attached by ClinVar (database versions not stated): 1000 Genomes Project 30x 0.00047; ExAC 0.00003; gnomAD exomes 0.00004 and 0.00010; gnomAD 0.00006 and 0.00007; TOPMed 0.00006; ESP Exome Variant Server 0.00008; 1000 Genomes Project 0.00020.
gnomAD v4.1: 148 of 1,597,712 alleles (0.0093%); highest among the groups gnomAD compares: Non-Finnish European, 0.012%; no homozygotes.

Submissions (2):

Labcorp Genetics (formerly Invitae), Labcorp
Classification: Likely benign for STT3B-congenital disorder of glycosylation. Last evaluated: 2024-12-03. Review status: criteria provided, single submitter. Criteria: Invitae Variant Classification Sherloc (09022015). Collection method: clinical testing. Allele origin: germline.

GeneDx
Classification: Likely benign. Last evaluated: 2017-07-28. Review status: criteria provided, single submitter. Criteria: GeneDx Variant Classification (06012015). Collection method: clinical testing. Allele origin: germline. Affected: yes.
Comment: This variant is considered likely benign or benign based on one or more of the following criteria: it is a conservative change, it occurs at a poorly conserved position in the protein, it is predicted to be benign by multiple in silico algorithms, and/or has population frequency not consistent with disease.

NM_178862.3(STT3B):c.1728-18T>C

Gene: STT3B (STT3 oligosaccharyltransferase complex catalytic subunit B; plus strand). Cytogenetic location: 3p23.
Variant type: single nucleotide variant.
Coding change: c.1728-18T>C on transcript NM_178862.3 (MANE Select); 18 bases into the intron before coding-DNA position 1728, T replaced by C.
Molecular consequence: intron variant.
Genome position (GRCh38, 1-based): chr3:31,624,896, T>C. VCF-style: chr3-31624896-T-C. GRCh37 (hg19) VCF-style: chr3-31666388-T-C.
Identifiers: ClinVar variation 510886 (VCV000510886.3), dbSNP rs190890830, ClinGen allele CA2295272.